The following is an entry in ClinVar:

NM_000051.4(ATM):c.6334T>A (p.Cys2112Ser)

Genes: ATM (ATM serine/threonine kinase; plus strand), C11orf65 (chromosome 11 open reading frame 65; minus strand). Cytogenetic location: 11q22.3.
Variant type: single nucleotide variant.
Coding change: c.6334T>A on transcript NM_000051.4 (MANE Select); coding-DNA position 6334, T replaced by A.
Protein change: p.Cys2112Ser; replaces cysteine 2112 with serine.
Molecular consequence: missense variant. On other transcripts: intron variant (2).
Genome position (GRCh38, 1-based): chr11:108,317,508, T>A. VCF-style: chr11-108317508-T-A. GRCh37 (hg19) VCF-style: chr11-108188235-T-A.
Other names: c.6334T>A, p.Cys2112Ser (NM_001351834.2); c.641-8437A>T (NM_001330368.2); c.*39-8437A>T (NM_001351110.2); short protein forms C2112S.
Identifiers: ClinVar variation 1060371 (VCV001060371.9), dbSNP rs2136170176, ClinGen allele CA382552286.

ClinVar aggregate classification (germline): Conflicting classifications of pathogenicity. Review status: criteria provided, conflicting classifications (1 of 4 stars). 2 submissions from 2 submitters: Uncertain significance (1); Likely benign (1). Last evaluated 2025-12-01.

Conditions:
Ataxia-telangiectasia syndrome (AT). Also called: Ataxia telangiectasia (A-T); ATAXIA-TELANGIECTASIA, COMPLEMENTATION GROUP A; ATAXIA-TELANGIECTASIA, FRESNO VARIANT; Ataxia-telangiectasia; Ataxia-telangiectasia, complementation group E; LOUIS-BAR SYNDROME. Identifiers: Orphanet 100, MedGen C0004135, MONDO:0008840, OMIM 208900.
Hereditary cancer-predisposing syndrome. Also called: Neoplastic Syndromes, Hereditary; Tumor predisposition; Hereditary Cancer Syndrome; Hereditary neoplastic syndrome. Identifiers: Orphanet 140162, MedGen C0027672, MeSH D009386, MONDO:0015356.

Submissions (2):

Ambry Genetics
Classification: Likely benign for Hereditary cancer-predisposing syndrome. Last evaluated: 2025-12-01. Review status: criteria provided, single submitter. Criteria: Ambry Variant Classification Scheme 2023. Collection method: clinical testing. Allele origin: germline.

Labcorp Genetics (formerly Invitae), Labcorp
Classification: Uncertain significance for Ataxia-telangiectasia syndrome. Last evaluated: 2024-08-13. Review status: criteria provided, single submitter. Criteria: Invitae Variant Classification Sherloc (09022015). Collection method: clinical testing. Allele origin: germline.
Comment: This sequence change replaces cysteine, which is neutral and slightly polar, with serine, which is neutral and polar, at codon 2112 of the ATM protein (p.Cys2112Ser). This variant is not present in population databases (gnomAD no frequency). This variant has not been reported in the literature in individuals affected with ATM-related conditions. ClinVar contains an entry for this variant (Variation ID: 1060371). An algorithm developed to predict the effect of missense changes on protein structure and function outputs the following: PolyPhen-2: "Benign". The serine amino acid residue is found in multiple mammalian species, which suggests that this missense change does not adversely affect protein function. In summary, the available evidence is currently insufficient to determine the role of this variant in disease. Therefore, it has been classified as a Variant of Uncertain Significance.

Literature cited by the submitters: PubMed 40580951 (cited by Ambry Genetics).